The following is an entry in ClinVar:

NC_000017.11:g.(?_15239451)_(15239631_?)del

Gene: PMP22 (peripheral myelin protein 22; minus strand). Cytogenetic location: 17p12.
Variant type: Deletion.
Identifiers: ClinVar variation 531713 (VCV000531713.1).

ClinVar aggregate classification (germline): Pathogenic (1 of 4 stars; one submission).

Conditions:
Charcot-Marie-Tooth disease, type I (CMT1). Also called: Charcot-Marie-Tooth disease type 1; Charcot-Marie-Tooth, Type 1. Identifiers: Orphanet 65753, MedGen C0751036, MONDO:0019011.

Submission:

Labcorp Genetics (formerly Invitae), Labcorp
Classification: Pathogenic for Charcot-Marie-Tooth disease, type I. Last evaluated: 2017-12-09. Review status: criteria provided, single submitter. Criteria: Invitae Variant Classification Sherloc (09022015). Collection method: clinical testing. Allele origin: germline.
Comment: A gross deletion of the genomic region encompassing the full coding sequence of the PMP22 gene has been identified. The boundaries of this event are unknown as the deletion extends beyond the assayed region for this gene and therefore may encompass additional genes. Approximately 80% of individuals with hereditary neuropathy with liability to pressure palsies (HNPP) have a 1.5Mb deletion at 17p11.2 (which includes PMP22) on one chromosome (PMID: 8894410, 20301566). Because deletions of PMP22 are a known mechanism of disease in HNPP, this sequence change has been classified as Pathogenic.

Literature cited by the submitters: PubMed 8894410; PubMed 20301566.